The following is an entry in ClinVar:

NM_024422.6(DSC2):c.2013C>T (p.Cys671=)

Gene: DSC2 (desmocollin 2; minus strand). Cytogenetic location: 18q12.1.
Variant type: single nucleotide variant.
Coding change: c.2013C>T on transcript NM_024422.6 (MANE Select); coding-DNA position 2013, C replaced by T.
Protein change: p.Cys671=; no amino-acid change (cysteine 671 retained).
Molecular consequence: synonymous variant.
Genome position (GRCh38, 1-based): chr18:31,071,717, G>A on the plus strand (C>T on the coding strand, the complement: DSC2 is on the minus strand). VCF-style: chr18-31071717-G-A. GRCh37 (hg19) VCF-style: chr18-28651683-G-A.
Other names: c.2013C>T, p.Cys671= (NM_004949.5); c.2013C>T (NM_024422.3).
Identifiers: ClinVar variation 1114452 (VCV001114452.7), dbSNP rs2144791194, ClinGen allele CA503527772.

ClinVar aggregate classification (germline): Likely benign. Review status: criteria provided, multiple submitters, no conflicts (2 of 4 stars). 3 submissions from 3 submitters: Likely benign (3). Last evaluated 2024-08-13.

Conditions:
Cardiovascular phenotype. Identifiers: MedGen CN230736.
Familial isolated arrhythmogenic right ventricular dysplasia. Identifiers: Orphanet 217656, MedGen C4274968, MONDO:0016342.
Arrhythmogenic right ventricular dysplasia 11. Also called: Arrhythmogenic Right Ventricular Dysplasia/Cardiomyopathy11; ARRHYTHMOGENIC RIGHT VENTRICULAR DYSPLASIA, FAMILIAL, 11; Arrhythmogenic right ventricular dysplasia 11 with mild palmoplantar keratoderma and woolly hair. Identifiers: MedGen C1864850, MONDO:0012506, OMIM 610476.

gnomAD v4.1: 3 of 1,614,016 alleles (0.00019%); no homozygotes.

Submissions (3):

All of Us Research Program, National Institutes of Health
Classification: Likely benign for Familial isolated arrhythmogenic right ventricular dysplasia. Last evaluated: 2024-08-13. Review status: criteria provided, single submitter. Criteria: ACMG Guidelines, 2015. Collection method: clinical testing. Allele origin: germline. Inheritance: Autosomal dominant inheritance. Observed: 3 variant alleles, 3 heterozygotes.
Comment: This study involves interpretation of variants in research participants for the purpose of population health screening. Participant phenotype was not available at the time of variant classification. Additional details can be found in publication PMID: 35346344, PMCID: PMC8962531

Ambry Genetics
Classification: Likely benign for Cardiovascular phenotype. Last evaluated: 2023-11-26. Review status: criteria provided, single submitter. Criteria: Ambry Variant Classification Scheme 2023. Collection method: clinical testing. Allele origin: germline.

Labcorp Genetics (formerly Invitae), Labcorp
Classification: Likely benign for Arrhythmogenic right ventricular dysplasia 11. Last evaluated: 2019-09-25. Review status: criteria provided, single submitter. Criteria: Invitae Variant Classification Sherloc (09022015). Collection method: clinical testing. Allele origin: germline.